The following is an entry in ClinVar:

ClinVar aggregate classification (germline): Benign/Likely benign. Review status: criteria provided, multiple submitters, no conflicts (2 of 4 stars). 6 submissions from 6 submitters: Benign (1); Likely benign (3). 2 of the submissions do not count toward it. Last evaluated 2026-01-22.

Conditions:
PANK2-related disorder. Also called: PANK2-related condition.
Pigmentary pallidal degeneration (NBIA1). Also called: Neurodegeneration with brain iron accumulation 1; Pantothenate Kinase-Associated Neurodegeneration; Neuroaxonal dystrophy, late infantile; Hallervorden-Spatz disease; PKAN NEUROAXONAL DYSTROPHY, JUVENILE-ONSET; HARP SYNDROME. Identifiers: Orphanet 157850, MedGen C0018523, MONDO:0009319, OMIM 234200.

Allele frequency attached by ClinVar (database versions not stated): gnomAD exomes 0.00015 and 0.00035; ExAC 0.00037; 1000 Genomes Project 30x 0.00094; 1000 Genomes Project 0.00100; ESP Exome Variant Server 0.00100; gnomAD 0.00145 and 0.00164; TOPMed 0.00153.
gnomAD v4.1: 448 of 1,614,188 alleles (0.028%); highest among the groups gnomAD compares: African/African-American, 0.56%; 1 homozygote.

Submissions (6):

Labcorp Genetics (formerly Invitae), Labcorp
Classification: Benign for Pigmentary pallidal degeneration. Last evaluated: 2026-01-22. Review status: criteria provided, single submitter. Criteria: Invitae Variant Classification Sherloc (09022015). Collection method: clinical testing. Allele origin: germline.

Blueprint Genetics
Classification: Likely benign. Last evaluated: 2024-04-30. Review status: criteria provided, single submitter. Criteria: ACMG Guidelines, 2015. Collection method: clinical testing. Allele origin: germline.

Athena Diagnostics
Classification: Likely benign. Last evaluated: 2018-10-23. Review status: criteria provided, single submitter. Criteria: Athena Diagnostics Criteria. Collection method: clinical testing. Allele origin: germline.

Illumina Laboratory Services, Illumina
Classification: Likely benign for Pigmentary pallidal degeneration. Last evaluated: 2018-01-13. Review status: criteria provided, single submitter. Criteria: ICSL Variant Classification Criteria 13 December 2019. Collection method: clinical testing. Allele origin: germline.
Comment: This variant was observed in the ICSL laboratory as part of a predisposition screen in an ostensibly healthy population. It had not been previously curated by ICSL or reported in the Human Gene Mutation Database (HGMD: prior to June 1st, 2018), and was therefore a candidate for classification through an automated scoring system. Utilizing variant allele frequency, disease prevalence and penetrance estimates, and inheritance mode, an automated score was calculated to assess if this variant is too frequent to cause the disease. Based on the score and internal cut-off values, a variant classified as likely benign is not then subjected to further curation. The score for this variant resulted in a classification of likely benign for this disease.

PreventionGenetics, part of Exact Sciences
Classification: Likely benign for PANK2-related condition. Last evaluated: 2024-07-12. Review status: no assertion criteria provided. Collection method: clinical testing. Allele origin: germline. Not counted in ClinVar's aggregate classification.
Comment: This variant is classified as likely benign based on ACMG/AMP sequence variant interpretation guidelines (Richards et al. 2015 PMID: 25741868, with internal and published modifications).

Mayo Clinic Laboratories, Mayo Clinic
Classification: Likely benign. Last evaluated: 2017-09-27. Review status: no assertion criteria provided. Collection method: clinical testing. Allele origin: unknown. Not counted in ClinVar's aggregate classification.

NM_001386393.1(PANK2):c.489G>A (p.Leu163=)

Gene: PANK2 (pantothenate kinase 2; plus strand). Cytogenetic location: 20p13.
Variant type: single nucleotide variant.
Coding change: c.489G>A on transcript NM_001386393.1 (MANE Select); coding-DNA position 489, G replaced by A.
Protein change: p.Leu163=; no amino-acid change (leucine 163 retained).
Molecular consequence: synonymous variant. On other transcripts: 5 prime UTR variant (4), non-coding transcript variant (1).
Genome position (GRCh38, 1-based): chr20:3,908,116, G>A. VCF-style: chr20-3908116-G-A. GRCh37 (hg19) VCF-style: chr20-3888763-G-A.
Other names: c.-55G>A (NM_001324191.2, NM_024960.6, NM_153640.4); c.819G>A, p.Leu273= (NM_001324192.1, NM_153638.4); c.-347G>A (NM_001324193.2).
Identifiers: ClinVar variation 558892 (VCV000558892.21), dbSNP rs71647837, ClinGen allele CA9750704.